The following is an entry in ClinVar:

NM_001378778.1(MPDZ):c.4171C>T (p.Arg1391Ter)

Gene: MPDZ (multiple PDZ domain crumbs cell polarity complex component; minus strand). Cytogenetic location: 9p23.
Variant type: single nucleotide variant.
Coding change: c.4171C>T on transcript NM_001378778.1 (MANE Select); coding-DNA position 4171, C replaced by T.
Protein change: p.Arg1391Ter; replaces arginine 1391 with a stop codon.
Molecular consequence: nonsense.
Genome position (GRCh38, 1-based): chr9:13,137,986, G>A on the plus strand (C>T on the coding strand, the complement: MPDZ is on the minus strand). VCF-style: chr9-13137986-G-A. GRCh37 (hg19) VCF-style: chr9-13137985-G-A.
Other names: c.4072C>T, p.Arg1358Ter (NM_001261406.2, NM_001261407.2, NM_001375416.1 and 3 more transcripts); c.4171C>T, p.Arg1391Ter (NM_001330637.2, NM_001375413.1, NM_003829.5); c.3961C>T, p.Arg1321Ter (NM_001375420.1, NM_001375421.1, NM_001375422.1 and 4 more transcripts); c.3763C>T, p.Arg1255Ter (NM_001375427.1); short protein forms R1391*, R1358*, R1321*, R1255*.
Identifiers: ClinVar variation 667381 (VCV000667381.20), dbSNP rs777752091, ClinGen allele CA4986817.
Genomic context (GRCh38, chr9:13,137,986, plus strand): 5'-AATAAATTCAAAATTTTCCACAAAAACTTACCTCTAGAAGCTCATCTGCAATTTGCAATC[G>A]ACCATCTTTTCCTGCAGCTCCATTTGGATCAATCCCCACTATGAAGACACTCATCCTGGA-3'

ClinVar aggregate classification (germline): Pathogenic/Likely pathogenic. Review status: criteria provided, multiple submitters, no conflicts (2 of 4 stars). 7 submissions from 7 submitters: Pathogenic (3); Likely pathogenic (4). Last evaluated 2026-03-13.

Conditions:
Congenital hydrocephalus. Identifiers: Orphanet 2185, MedGen C0020256, MONDO:0016349.
Hydrocephalus, nonsyndromic, autosomal recessive 2. Also called: Hydrocephalus, congenital, 2, with or without brain or eye anomalies. Identifiers: Orphanet 2185, MedGen C3554691, MONDO:0014085, OMIM 615219.
MPDZ-related disorder. Also called: MPDZ-related condition.
Retinal disorder. Also called: Retinal disorders; Retinopathies; Retinal Diseases; Retinopathy. Identifiers: MedGen C0035309, MONDO:0005283, HP:0000488.

Allele frequency attached by ClinVar (database versions not stated): gnomAD 0.00001; gnomAD exomes 0.00005 and 0.00008; TOPMed 0.00005; ExAC 0.00008.
gnomAD v4.1: 70 of 1,613,508 alleles (0.0043%); highest among the groups gnomAD compares: Admixed American, 0.02%; no homozygotes.

Submissions (7):

Genetics Laboratory, Great Ormond Street Hospital NHS Foundation Trust, North Thames Genomic Laboratory Hub
Classification: Pathogenic for Retinal disorders. Last evaluated: 2026-03-13. Review status: criteria provided, single submitter. Criteria: ACGS Best Practice Guidelines for Variant Classification in Rare Disease 2024 v1.2. Collection method: clinical testing. Allele origin: germline. Affected: yes.
Comment: PVS1_very-strong, PM3_moderate

Labcorp Genetics (formerly Invitae), Labcorp
Classification: Pathogenic. Last evaluated: 2026-01-06. Review status: criteria provided, single submitter. Criteria: Invitae Variant Classification Sherloc (09022015). Collection method: clinical testing. Allele origin: germline.
Comment: This sequence change creates a premature translational stop signal (p.Arg1391*) in the MPDZ gene. It is expected to result in an absent or disrupted protein product. Loss-of-function variants in MPDZ are known to be pathogenic (PMID: 23240096, 28556411). This variant is present in population databases (rs777752091, gnomAD 0.05%). This variant has not been reported in the literature in individuals affected with MPDZ-related conditions. ClinVar contains an entry for this variant (Variation ID: 667381). For these reasons, this variant has been classified as Pathogenic.

GeneDx
Classification: Pathogenic. Last evaluated: 2025-10-20. Review status: criteria provided, single submitter. Criteria: GeneDx Variant Classification Process June 2021. Collection method: clinical testing. Allele origin: germline.
Comment: Nonsense variant predicted to result in protein truncation or nonsense mediated decay in a gene for which loss of function is a known mechanism of disease; Reported in the published literature in a fetus with hydrocephalus who also harbored an additional loss of function variant in the MPDZ gene (PMID: 34974531); Reported in the heterozygous state in the published literature, but additional clinical information was not included (PMID: 31980526); This variant is associated with the following publications: (PMID: 34974531, 31980526)

Variantyx, Inc.
Classification: Likely pathogenic for Hydrocephalus, nonsyndromic, autosomal recessive 2. Last evaluated: 2025-03-19. Review status: criteria provided, single submitter. Criteria: Variantyx Assertion Criteria 2022. Collection method: clinical testing. Allele origin: maternal. Inheritance: Autosomal recessive inheritance.
Comment: This is a nonsense variant in the MPDZ gene. Pathogenic variants in the MPDZ gene have been reported to cause congenital hydrocephalus, with or without brain or eye anomalies. The alteration creates a premature stop codon in exon 29 out of 47. It is expected to result in loss of function, which is a known disease mechanism for MPDZ in this disorder (PMID: 23240096, 28556411) (PVS1). The maximum allelic frequency in non-founder populations has been reported as 0.0002001 (PM2). This variant identified in probands with congenital hydrocephalus (PMID:34974531, 31980526). Based on this evidence, this variant is classified as likely pathogenic for congenital hydrocephalus, with or without brain or eye anomalies.

PreventionGenetics, part of Exact Sciences
Classification: Likely pathogenic for MPDZ-related condition. Last evaluated: 2025-03-07. Review status: criteria provided, single submitter. Criteria: ACMG Guidelines, 2015. Collection method: clinical testing. Allele origin: germline.
Comment: The MPDZ c.4171C>T variant is predicted to result in premature protein termination (p.Arg1391*). This variant has been reported in the compound heterozygous state in a fetus with hydrocephalus (No 2, Smogavec et al. 2022. PubMed ID: 34974531). This variant was also reported in a 3-year precision medicine study using whole-genome sequencing data and phenotype information, however additional information regarding this specific variant was not provided (Reported via hg38 as chr9:13137986 G>A, Supplemental Dataset 1, Tab 3, Hou et al. 2020. PubMed ID: 31980526). This variant is reported in 0.050% of alleles in individuals of Ashkenazi Jewish descent in gnomAD. Nonsense variants in MPDZ are expected to be pathogenic. This variant is interpreted as likely pathogenic.

Revvity Omics, Revvity
Classification: Likely pathogenic for Hydrocephalus, nonsyndromic, autosomal recessive 2. Last evaluated: 2023-02-10. Review status: criteria provided, single submitter. Criteria: ACMG Guidelines, 2015. Collection method: clinical testing. Allele origin: germline.

Laboratory for Molecular Medicine, Mass General Brigham Personalized Medicine
Classification: Likely pathogenic for Congenital hydrocephalus. Last evaluated: 2018-10-26. Review status: criteria provided, single submitter. Criteria: LMM Criteria. Collection method: clinical testing. Allele origin: germline. Inheritance: Autosomal recessive inheritance. Observed: 1 variant allele.
Comment: The p.Arg1391X variant has not been previously reported in individuals with dise ase, but has been identified in 0.05% (5/9834) of Ashkenazi Jewish chromosomes b y the Genome Aggregation Database (gnomAD). T his nonsense variant leads to a premature termination codon at position 1391, wh ich is predicted to lead to a truncated or absent protein. Loss-of-function vari ants have in MPDZ been associated with congenital hydrocephalus. In summary, alt hough additional studies are required to fully establish its clinical significan ce, the p.Arg1391 variant is likely pathogenic for autosomal recessive congenita l hydrocephalus. ACMG/AMP Criteria applied: PM2, PVS1_Moderate.

Literature cited by the submitters: PubMed 23240096 (cited by Labcorp Genetics (formerly Invitae), Labcorp and Variantyx, Inc.); PubMed 28556411 (cited by Labcorp Genetics (formerly Invitae), Labcorp and Variantyx, Inc.); PubMed 34974531 (cited by Variantyx, Inc.); PubMed 31980526 (cited by Variantyx, Inc.).